The following is an entry in ClinVar:

NM_014874.4(MFN2):c.1909T>A (p.Ser637Thr)

Gene: MFN2 (mitofusin 2; plus strand). Cytogenetic location: 1p36.22.
Variant type: single nucleotide variant.
Coding change: c.1909T>A on transcript NM_014874.4 (MANE Select); coding-DNA position 1909, T replaced by A.
Protein change: p.Ser637Thr; replaces serine 637 with threonine.
Molecular consequence: missense variant.
Genome position (GRCh38, 1-based): chr1:12,007,089, T>A. VCF-style: chr1-12007089-T-A. GRCh37 (hg19) VCF-style: chr1-12067146-T-A.
Other names: c.1909T>A, p.Ser637Thr (NM_001127660.2); short protein forms S637T.
Identifiers: ClinVar variation 653971 (VCV000653971.6), dbSNP rs763185826, ClinGen allele CA599272.
Genomic context (GRCh38, chr1:12,007,089, plus strand): 5'-CCAGGCTGACCATGTGCTCTGCAGGTGTGGAAGGCAGTGGGCTGGCGGCTCATTGCCCTC[T>A]CCTTTGGGCTCTATGGCCTCCTCTACGTCTATGAGCGTCTGACCTGGACCACCAAGGCCA-3'
Protein context (NP_055689.1, residues 627-647): KAVGWRLIAL[Ser637Thr]FGLYGLLYVY

ClinVar aggregate classification (germline): Uncertain significance (1 of 4 stars; one submission).

Conditions:
Charcot-Marie-Tooth disease type 2. Also called: Charcot-Marie-Tooth type 2. Identifiers: Orphanet 64746, MedGen C0270914, MONDO:0018993.

Allele frequency attached by ClinVar (database versions not stated): TOPMed 0.00001; ExAC 0.00001; gnomAD exomes 0.00001.
gnomAD v4.1: 23 of 1,614,140 alleles (0.0014%); highest among the groups gnomAD compares: Non-Finnish European, 0.0018%; no homozygotes.

Submission:

Labcorp Genetics (formerly Invitae), Labcorp
Classification: Uncertain significance for Charcot-Marie-Tooth disease type 2. Last evaluated: 2025-10-02. Review status: criteria provided, single submitter. Criteria: Invitae Variant Classification Sherloc (09022015). Collection method: clinical testing. Allele origin: germline.
Comment: This sequence change replaces serine, which is neutral and polar, with threonine, which is neutral and polar, at codon 637 of the MFN2 protein (p.Ser637Thr). This variant is present in population databases (rs763185826, gnomAD 0.004%). This variant has not been reported in the literature in individuals affected with MFN2-related conditions. ClinVar contains an entry for this variant (Variation ID: 653971). Invitae Evidence Modeling of protein sequence and biophysical properties (such as structural, functional, and spatial information, amino acid conservation, physicochemical variation, residue mobility, and thermodynamic stability) indicates that this missense variant is not expected to disrupt MFN2 protein function with a negative predictive value of 80%. In summary, the available evidence is currently insufficient to determine the role of this variant in disease. Therefore, it has been classified as a Variant of Uncertain Significance.